The following is an entry in ClinVar:

ClinVar aggregate classification (germline): Likely benign. Review status: criteria provided, multiple submitters, no conflicts (2 of 4 stars). 4 submissions from 4 submitters: Likely benign (4). Last evaluated 2025-11-20.

Conditions:
Hereditary cancer-predisposing syndrome. Also called: Hereditary Cancer Syndrome; Hereditary neoplastic syndrome; Neoplastic Syndromes, Hereditary; Tumor predisposition. Identifiers: Orphanet 140162, MedGen C0027672, MeSH D009386, MONDO:0015356.
Hereditary breast ovarian cancer syndrome. Also called: Hereditary breast and ovarian cancer syndrome; Hereditary breast and ovarian cancer; Breast and ovarian cancer; BRCA1- and BRCA2-Associated Hereditary Breast and Ovarian Cancer; Hereditary breast and/or ovarian cancer syndrome; Hereditary breast and ovarian cancer syndrome (HBOC). Identifiers: Orphanet 145, MedGen C0677776, MeSH D061325, MONDO:0003582. Disease mechanism: loss of function.

Allele frequency attached by ClinVar (database versions not stated): gnomAD exomes below 0.00001; TOPMed below 0.00001; ExAC 0.00001; gnomAD 0.00001.
gnomAD v4.1: 5 of 1,613,238 alleles (0.00031%); highest among the groups gnomAD compares: Non-Finnish European, 0.00042%; no homozygotes.

Submissions (4):

Labcorp Genetics (formerly Invitae), Labcorp
Classification: Likely benign for Hereditary breast ovarian cancer syndrome. Last evaluated: 2025-11-20. Review status: criteria provided, single submitter. Criteria: Invitae Variant Classification Sherloc (09022015). Collection method: clinical testing. Allele origin: germline.

Women's Health and Genetics/Laboratory Corporation of America, LabCorp
Classification: Likely benign. Last evaluated: 2024-12-17. Review status: criteria provided, single submitter. Criteria: LabCorp Variant Classification Summary - May 2015. Collection method: clinical testing. Allele origin: germline.
Comment: Variant summary: BRCA1 c.4675+20A>G alters a conserved nucleotide located at a position not widely known to affect splicing. Consensus agreement among computation tools predict no significant impact on normal splicing (TrAP). However, these predictions have yet to be confirmed by functional studies. The variant allele was found at a frequency of 4e-06 in 250912 control chromosomes. The available data on variant occurrences in the general population are insufficient to allow any conclusion about variant significance. c.4675+20A>G has been reported in the literature in individuals affected with Hereditary Breast And Ovarian Cancer Syndrome, without strong evidence for causality (Chian_2021). These report(s) do not provide unequivocal conclusions about association of the variant with Hereditary Breast And Ovarian Cancer Syndrome. To our knowledge, no experimental evidence demonstrating an impact on protein function has been reported. ClinVar contains an entry for this variant (Variation ID: 383202). Based on the evidence outlined above, the variant was classified as likely benign.

GeneDx
Classification: Likely benign. Last evaluated: 2017-12-22. Review status: criteria provided, single submitter. Criteria: GeneDx Variant Classification (06012015). Collection method: clinical testing. Allele origin: germline. Affected: yes.
Comment: This variant is considered likely benign or benign based on one or more of the following criteria: it is a conservative change, it occurs at a poorly conserved position in the protein, it is predicted to be benign by multiple in silico algorithms, and/or has population frequency not consistent with disease.

Color Diagnostics, LLC DBA Color Health
Classification: Likely benign for Hereditary cancer-predisposing syndrome. Last evaluated: 2016-11-18. Review status: criteria provided, single submitter. Criteria: ACMG Guidelines, 2015. Collection method: clinical testing. Allele origin: germline.

Literature cited by the submitters: PubMed 34235180 (cited by Women's Health and Genetics/Laboratory Corporation of America, LabCorp).

NM_007294.4(BRCA1):c.4675+20A>G

Gene: BRCA1 (BRCA1 DNA repair associated; minus strand). Cytogenetic location: 17q21.31.
Variant type: single nucleotide variant.
Coding change: c.4675+20A>G on transcript NM_007294.4 (MANE Select); 20 bases into the intron after coding-DNA position 4675, A replaced by G.
Molecular consequence: intron variant.
Genome position (GRCh38, 1-based): chr17:43,074,311, T>C on the plus strand (A>G on the coding strand, the complement: BRCA1 is on the minus strand). VCF-style: chr17-43074311-T-C. GRCh37 (hg19) VCF-style: chr17-41226328-T-C.
Other names: c.4342+20A>G (NM_001407949.1, NM_001407946.1, NM_001407948.1 and 1 more transcripts); c.4534+20A>G (NM_001407695.1, NM_001407726.1, NM_001407728.1 and 13 more transcripts); c.1219+20A>G (NM_001408470.1, NM_001408469.1, NM_001408468.1); c.1039+20A>G (NM_001408506.1); c.4528+20A>G (NM_001407846.1, NM_001407848.1, NM_001407839.1 and 12 more transcripts); c.4531+20A>G (NM_001407745.1, NM_001407943.1, NM_001407748.1 and 21 more transcripts); c.4462+20A>G (NM_001407909.1, NM_001407906.1, NM_001407894.1 and 12 more transcripts); c.1099+20A>G (NM_001408503.1, NM_001408502.1, NM_001408504.1); and 71 more.
Identifiers: ClinVar variation 383202 (VCV000383202.18), dbSNP rs780870669, ClinGen allele CA052665.
Genomic context (GRCh38, chr17:43,074,311, plus strand): 5'-GTTGGTTAACCAGAATATCTTTATGTAGGATTCAGAGTAAAATCAAAGTGTTTGTTCCAA[T>C]ACAGCAGATGAAATATTACCTAGATCTTGCCTTGGCAAGTAAGATGTTTCCGTCAAATCG-3'